The following is an entry in ClinVar:

ClinVar aggregate classification (germline): Conflicting classifications of pathogenicity. Review status: criteria provided, conflicting classifications (1 of 4 stars). 9 submissions from 9 submitters: Uncertain significance (2); Benign (2); Likely benign (2). 3 of the submissions do not count toward it. Last evaluated 2026-01-28.

Conditions:
TTN-related disorder. Also called: TTN-related condition; TTN-related disease; TTN-related disorders.
Autosomal recessive limb-girdle muscular dystrophy type 2J (LGMDR10). Also called: Limb-girdle muscular dystrophy, type 2J; MUSCULAR DYSTROPHY, LIMB-GIRDLE, AUTOSOMAL RECESSIVE 10. Identifiers: Orphanet 140922, MedGen C1837342, MONDO:0012127, OMIM 608807.
Dilated cardiomyopathy 1G (CMD1G). Identifiers: Orphanet 154, MedGen C1858763, MONDO:0011400, OMIM 604145.
Cardiomyopathy (CMYO). Also called: Cardiomyopathies. Identifiers: Orphanet 167848, MedGen C0878544, MONDO:0004994, HP:0001638. Inheritance: Various modes of inheritance.

Allele frequency attached by ClinVar (database versions not stated): gnomAD 0.00006; TOPMed 0.00010; ExAC 0.00023; gnomAD exomes 0.00023; 1000 Genomes Project 30x 0.00031; 1000 Genomes Project 0.00040.
gnomAD v4.1: 158 of 1,612,686 alleles (0.0098%); highest among the groups gnomAD compares: South Asian, 0.13%; 4 homozygotes.

Submissions (9):

Labcorp Genetics (formerly Invitae), Labcorp
Classification: Likely benign for Dilated cardiomyopathy 1G; Autosomal recessive limb-girdle muscular dystrophy type 2J. Last evaluated: 2026-01-28. Review status: criteria provided, single submitter. Criteria: Invitae Variant Classification Sherloc (09022015). Collection method: clinical testing. Allele origin: germline.

Revvity Omics, Revvity
Classification: Uncertain significance. Last evaluated: 2024-06-11. Review status: criteria provided, single submitter. Criteria: ACMG Guidelines, 2015. Collection method: clinical testing. Allele origin: germline.

Blueprint Genetics
Classification: Likely benign. Last evaluated: 2024-04-26. Review status: criteria provided, single submitter. Criteria: ACMG Guidelines, 2015. Collection method: clinical testing. Allele origin: germline.

GeneDx
Classification: Benign. Last evaluated: 2018-10-22. Review status: criteria provided, single submitter. Criteria: GeneDx Variant Classification Process June 2021. Collection method: clinical testing. Allele origin: germline. Affected: yes.

CHEO Genetics Diagnostic Laboratory, Children's Hospital of Eastern Ontario
Classification: Benign for Cardiomyopathy. Last evaluated: 2018-02-26. Review status: criteria provided, single submitter. Criteria: ACMG Guidelines, 2015. Collection method: clinical testing. Allele origin: germline.

Eurofins Ntd Llc (ga)
Classification: Uncertain significance. Last evaluated: 2015-10-02. Review status: criteria provided, single submitter. Criteria: EGL Classification Definitions 2015. Collection method: clinical testing. Allele origin: germline. Observed: 2 variant alleles, 2 heterozygotes.

PreventionGenetics, part of Exact Sciences
Classification: Likely benign for TTN-related condition. Last evaluated: 2023-11-16. Review status: no assertion criteria provided. Collection method: clinical testing. Allele origin: germline. Not counted in ClinVar's aggregate classification.
Comment: This variant is classified as likely benign based on ACMG/AMP sequence variant interpretation guidelines (Richards et al. 2015 PMID: 25741868, with internal and published modifications).

Clinical Genetics, Academic Medical Center
Classification: Likely benign. Review status: no assertion criteria provided. Collection method: clinical testing. Allele origin: germline. Affected: yes. Study: VKGL Data-share Consensus. Not counted in ClinVar's aggregate classification.

Diagnostic Laboratory, Department of Genetics, University Medical Center Groningen
Classification: Likely benign. Review status: no assertion criteria provided. Collection method: clinical testing. Allele origin: germline. Affected: yes. Study: VKGL Data-share Consensus. Not counted in ClinVar's aggregate classification.

NM_001267550.2(TTN):c.17686G>A (p.Glu5896Lys)

Gene: TTN (titin; minus strand). Cytogenetic location: 2q31.2.
Variant type: single nucleotide variant.
Coding change: c.17686G>A on transcript NM_001267550.2 (MANE Select); coding-DNA position 17686, G replaced by A.
Protein change: p.Glu5896Lys; replaces glutamic acid 5896 with lysine.
Molecular consequence: missense variant. On other transcripts: intron variant (3).
Genome position (GRCh38, 1-based): chr2:178,730,979, C>T on the plus strand (G>A on the coding strand, the complement: TTN is on the minus strand). VCF-style: chr2-178730979-C-T. GRCh37 (hg19) VCF-style: chr2-179595706-C-T.
Other names: c.16735G>A, p.Glu5579Lys (NM_001256850.1); c.13954G>A, p.Glu4652Lys (NM_133378.4); c.13282+7103G>A (NM_003319.4); c.13858+7103G>A (NM_133437.4); c.13657+7103G>A (NM_133432.3); short protein forms E4652K, E5579K, E5896K.
Identifiers: ClinVar variation 283635 (VCV000283635.26), dbSNP rs561557554, ClinGen allele CA2001772.